The following is an entry in ClinVar:

ClinVar aggregate classification (germline): Pathogenic/Likely pathogenic. Review status: criteria provided, multiple submitters, no conflicts (2 of 4 stars). 3 submissions from 3 submitters: Pathogenic (1); Likely pathogenic (1). 1 of the submissions does not count toward it. Last evaluated 2026-01-17.

Conditions:
Progressive sclerosing poliodystrophy (MTDPS4A). Also called: Alpers Syndrome; ALPERS DIFFUSE DEGENERATION OF CEREBRAL GRAY MATTER WITH HEPATIC CIRRHOSIS; ALPERS PROGRESSIVE INFANTILE POLIODYSTROPHY; Mitochondrial DNA Depletion Syndrome 4A; NEURONAL DEGENERATION OF CHILDHOOD WITH LIVER DISEASE, PROGRESSIVE; Alpers-Huttenlocher Syndrome. Identifiers: Orphanet 726, MedGen C0205710, MONDO:0008758, OMIM 203700.
Progressive external ophthalmoplegia with mitochondrial DNA deletions, autosomal dominant 1 (PEOA1). Also called: PROGRESSIVE EXTERNAL OPHTHALMOPLEGIA, AUTOSOMAL DOMINANT 1; Autosomal Dominant Progressive External Ophthalmoplegia (adPEO). Identifiers: MedGen C1834846, MONDO:0024528, OMIM 157640.

Submissions (3):

Labcorp Genetics (formerly Invitae), Labcorp
Classification: Pathogenic for Progressive sclerosing poliodystrophy. Last evaluated: 2026-01-17. Review status: criteria provided, single submitter. Criteria: Invitae Variant Classification Sherloc (09022015). Collection method: clinical testing. Allele origin: germline.
Comment: This sequence change replaces alanine, which is neutral and non-polar, with serine, which is neutral and polar, at codon 957 of the POLG protein (p.Ala957Ser). This variant is not present in population databases (gnomAD no frequency). This missense change has been observed in individuals with autosomal dominant progressive external ophthalmoplegia (PMID: 12210792). It has also been observed to segregate with disease in related individuals. ClinVar contains an entry for this variant (Variation ID: 13508). Invitae Evidence Modeling of protein sequence and biophysical properties (such as structural, functional, and spatial information, amino acid conservation, physicochemical variation, residue mobility, and thermodynamic stability) indicates that this missense variant is expected to disrupt POLG protein function with a positive predictive value of 95%. Experimental studies have shown that this missense change affects POLG function (PMID: 15258572, 23208208). For these reasons, this variant has been classified as Pathogenic.

Baylor Genetics
Classification: Likely pathogenic for Progressive sclerosing poliodystrophy. Last evaluated: 2022-11-05. Review status: criteria provided, single submitter. Criteria: ACMG Guidelines, 2015. Collection method: clinical testing. Allele origin: unknown.

OMIM
Classification: Pathogenic for PROGRESSIVE EXTERNAL OPHTHALMOPLEGIA WITH MITOCHONDRIAL DNA DELETIONS, AUTOSOMAL DOMINANT 1. Last evaluated: 2002-08-01. Review status: no assertion criteria provided. Collection method: literature only. Allele origin: germline. Not counted in ClinVar's aggregate classification.

Literature cited by the submitters: PubMed 12210792 (cited by Labcorp Genetics (formerly Invitae), Labcorp and OMIM); PubMed 15258572 (cited by Labcorp Genetics (formerly Invitae), Labcorp); PubMed 23208208 (cited by Labcorp Genetics (formerly Invitae), Labcorp).

NM_002693.3(POLG):c.2869G>T (p.Ala957Ser)

Gene: POLG (DNA polymerase gamma, catalytic subunit; minus strand). Cytogenetic location: 15q26.1.
Variant type: single nucleotide variant.
Coding change: c.2869G>T on transcript NM_002693.3 (MANE Select); coding-DNA position 2869, G replaced by T.
Protein change: p.Ala957Ser; replaces alanine 957 with serine.
Molecular consequence: missense variant.
Genome position (GRCh38, 1-based): chr15:89,320,878, C>A on the plus strand (G>T on the coding strand, the complement: POLG is on the minus strand). VCF-style: chr15-89320878-C-A. GRCh37 (hg19) VCF-style: chr15-89864109-C-A.
Other names: c.2869G>T, p.Ala957Ser (NM_001126131.2); short protein forms A957S.
Identifiers: ClinVar variation 13508 (VCV000013508.6), dbSNP rs121918051, ClinGen allele CA256895.
Genomic context (GRCh38, chr15:89,320,878, plus strand): 5'-CCTGCTGTGTGAGCCGGTGGTTAAACTGCATTAGTAAGCGCTCAGCAAAGGGCTGCCCAG[C>A]ACCATAGATGCGGCCGTAGTTGAAGATTTTGGCATGCTCACGGCTGATGCCCACAGTAGT-3'
Protein context (NP_002684.1, residues 947-967): KIFNYGRIYG[Ala957Ser]GQPFAERLLM